The following is an entry in ClinVar:

ClinVar aggregate classification (germline): Benign. Review status: criteria provided, multiple submitters, no conflicts (2 of 4 stars). 3 submissions from 3 submitters: Benign (3). Last evaluated 2026-01-28.

Conditions:
Progressive pseudorheumatoid dysplasia (PPRD). Also called: Progressive Pseudorheumatoid Arthropathy of Childhood; SPONDYLOEPIPHYSEAL DYSPLASIA TARDA WITH PROGRESSIVE ARTHROPATHY. Identifiers: Orphanet 1159, MedGen C0432215, MONDO:0008827, OMIM 208230. Disease mechanism: loss of function.

Allele frequency attached by ClinVar (database versions not stated): gnomAD exomes 0.00090 and 0.00260; ExAC 0.00317; 1000 Genomes Project 0.00938; gnomAD 0.00943 and 0.01017; 1000 Genomes Project 30x 0.00953; ESP Exome Variant Server 0.01061; TOPMed 0.01065.
gnomAD v4.1: 2,809 of 1,614,186 alleles (0.17%); highest among the groups gnomAD compares: African/African-American, 3.2%; 46 homozygotes.

Submissions (3):

Labcorp Genetics (formerly Invitae), Labcorp
Classification: Benign. Last evaluated: 2026-01-28. Review status: criteria provided, single submitter. Criteria: Invitae Variant Classification Sherloc (09022015). Collection method: clinical testing. Allele origin: germline.

ARUP Laboratories, Molecular Genetics and Genomics, ARUP Laboratories
Classification: Benign for Progressive pseudorheumatoid dysplasia. Last evaluated: 2025-06-20. Review status: criteria provided, single submitter. Criteria: ARUP Molecular Germline Variant Investigation Process 2024. Collection method: clinical testing. Allele origin: germline.

Illumina Laboratory Services, Illumina
Classification: Benign for Progressive pseudorheumatoid dysplasia. Last evaluated: 2018-01-12. Review status: criteria provided, single submitter. Criteria: ICSL Variant Classification Criteria 13 December 2019. Collection method: clinical testing. Allele origin: germline.
Comment: This variant was observed in the ICSL laboratory as part of a predisposition screen in an ostensibly healthy population. It had not been previously curated by ICSL or reported in the Human Gene Mutation Database (HGMD: prior to June 1st, 2018), and was therefore a candidate for classification through an automated scoring system. Utilizing variant allele frequency, disease prevalence and penetrance estimates, and inheritance mode, an automated score was calculated to assess if this variant is too frequent to cause the disease. Based on the score and internal cut-off values, a variant classified as benign is not then subjected to further curation. The score for this variant resulted in a classification of benign for this disease.

NM_198239.2(CCN6):c.78A>T (p.Pro26=)

Gene: CCN6 (cellular communication network factor 6; plus strand). Cytogenetic location: 6q21.
Variant type: single nucleotide variant.
Coding change: c.78A>T on transcript NM_198239.2 (MANE Select); coding-DNA position 78, A replaced by T.
Protein change: p.Pro26=; no amino-acid change (proline 26 retained).
Molecular consequence: synonymous variant. On other transcripts: non-coding transcript variant (2).
Genome position (GRCh38, 1-based): chr6:112,061,020, A>T. VCF-style: chr6-112061020-A-T. GRCh37 (hg19) VCF-style: chr6-112382223-A-T.
Other names: c.78A>T, p.Pro26= (NM_003880.4).
Identifiers: ClinVar variation 355058 (VCV000355058.16), dbSNP rs9487806, ClinGen allele CA3963907.